The following is an entry in ClinVar:

NM_001330260.2(SCN8A):c.422C>G (p.Thr141Ser)

Gene: SCN8A (sodium voltage-gated channel alpha subunit 8; plus strand). Cytogenetic location: 12q13.13.
Variant type: single nucleotide variant.
Coding change: c.422C>G on transcript NM_001330260.2 (MANE Select); coding-DNA position 422, C replaced by G.
Protein change: p.Thr141Ser; replaces threonine 141 with serine.
Molecular consequence: missense variant.
Genome position (GRCh38, 1-based): chr12:51,686,394, C>G. VCF-style: chr12-51686394-C-G. GRCh37 (hg19) VCF-style: chr12-52080178-C-G.
Other names: c.422C>G (NM_014191.3); c.422C>G, p.Thr141Ser (NM_001177984.3, NM_001369788.1, NM_014191.4); short protein forms T141S.
Identifiers: ClinVar variation 3679968 (VCV003679968.3).

ClinVar aggregate classification (germline): Uncertain significance. Review status: criteria provided, multiple submitters, no conflicts (2 of 4 stars). 2 submissions from 2 submitters: Uncertain significance (2). Last evaluated 2024-11-06.

Conditions:
Early-infantile DEE. Also called: Ohtahara syndrome; Early infantile epileptic encephalopathy with suppression bursts; Early infantile epileptic encephalopathy. Identifiers: Orphanet 1934, MedGen C0393706, MONDO:0800491.

Submissions (2):

GeneDx
Classification: Uncertain significance. Last evaluated: 2024-11-06. Review status: criteria provided, single submitter. Criteria: GeneDx Variant Classification Process June 2021. Collection method: clinical testing. Allele origin: germline. Affected: yes.
Comment: Not observed at significant frequency in large population cohorts (gnomAD); In silico analysis supports that this missense variant has a deleterious effect on protein structure/function; Has not been previously published as pathogenic or benign to our knowledge; This substitution is predicted to be within the transmembrane segment S1 of the first homologous domain

Labcorp Genetics (formerly Invitae), Labcorp
Classification: Uncertain significance for Early-infantile DEE. Last evaluated: 2024-08-28. Review status: criteria provided, single submitter. Criteria: Invitae Variant Classification Sherloc (09022015). Collection method: clinical testing. Allele origin: germline.
Comment: This sequence change replaces threonine, which is neutral and polar, with serine, which is neutral and polar, at codon 141 of the SCN8A protein (p.Thr141Ser). This variant is not present in population databases (gnomAD no frequency). This variant has not been reported in the literature in individuals affected with SCN8A-related conditions. Invitae Evidence Modeling of protein sequence and biophysical properties (such as structural, functional, and spatial information, amino acid conservation, physicochemical variation, residue mobility, and thermodynamic stability) indicates that this missense variant is expected to disrupt SCN8A protein function with a positive predictive value of 95%. In summary, the available evidence is currently insufficient to determine the role of this variant in disease. Therefore, it has been classified as a Variant of Uncertain Significance.